The following is an entry in ClinVar:

ClinVar aggregate classification (germline): Uncertain significance (1 of 4 stars; one submission).

Conditions:
Mitochondrial DNA depletion syndrome 13. Also called: FBXL4-Related Encephalomyopathic Mitochondrial DNA Depletion Syndrome; Mitochondrial DNA depletion syndrome 13 (encephalomyopathic type). Identifiers: Orphanet 369897, MedGen C3809592, MONDO:0014198, OMIM 615471.

Allele frequency attached by ClinVar (database versions not stated): gnomAD exomes below 0.00001; ExAC 0.00001.

Submission:

Wong Mito Lab, Molecular and Human Genetics, Baylor College of Medicine
Classification: Uncertain significance for Mitochondrial DNA depletion syndrome 13. Last evaluated: 2017-08-10. Review status: criteria provided, single submitter. Criteria: ACMG Guidelines, 2015. Collection method: reference population. Allele origin: germline.
Comment: The NM_012160.4:c.725A>G (NP_036292.2:p.Asp242Gly) [GRCH38: NC_000006.12:g.98917507T>C] variant in FBXL4 gene is interpretated to be a Uncertain Significance - Conflicting Evidence based on ACMG guidelines (PMID: 25741868). This variant meets one or more of the following evidence codes reported in the ACMG-guideline. PM2:This variant is absent in key population databases. BP4:Computational evidence/predictors indicate no impact on the FBXL4 structure, function, or protein-protein interaction. Based on this evidence code ClinGen Pathogenicity Calculator (PMID:28081714) suggested that the variant is Uncertain Significance - Conflicting Evidence.

NM_001278716.2(FBXL4):c.725A>G (p.Asp242Gly)

Gene: FBXL4 (F-box and leucine rich repeat protein 4; minus strand). Cytogenetic location: 6q16.2.
Variant type: single nucleotide variant.
Coding change: c.725A>G on transcript NM_001278716.2 (MANE Select); coding-DNA position 725, A replaced by G.
Protein change: p.Asp242Gly; replaces aspartic acid 242 with glycine.
Molecular consequence: missense variant.
Genome position (GRCh38, 1-based): chr6:98,917,507, T>C on the plus strand (A>G on the coding strand, the complement: FBXL4 is on the minus strand). VCF-style: chr6-98917507-T-C. GRCh37 (hg19) VCF-style: chr6-99365383-T-C.
Other names: c.725A>G, p.Asp242Gly (NM_012160.5); short protein forms D242G.
Identifiers: ClinVar variation 437621 (VCV000437621.1), dbSNP rs775384414, ClinGen allele CA3933631.